The following is an entry in ClinVar:

ClinVar aggregate classification (germline): Benign. Review status: criteria provided, multiple submitters, no conflicts (2 of 4 stars). 3 submissions from 2 submitters: Benign (3). Last evaluated 2025-12-18.

Conditions:
Pseudoachondroplastic spondyloepiphyseal dysplasia syndrome (PSACH). Also called: COMP-Related Pseudoachondroplasia; PSEUDOACHONDROPLASTIC DYSPLASIA; Pseudoachondroplasia. Identifiers: Orphanet 750, MedGen C0410538, MONDO:0008322, OMIM 177170.
Multiple epiphyseal dysplasia type 1. Also called: COMP-Related Multiple Epiphyseal Dysplasia. Identifiers: Orphanet 93308, MedGen C1838280, MONDO:0007561, OMIM 132400.

Allele frequency attached by ClinVar (database versions not stated): gnomAD below 0.00001 and 0.00019; TOPMed 0.00005; gnomAD exomes 0.00070; ExAC 0.00079; 1000 Genomes Project 30x 0.00203; 1000 Genomes Project 0.00220.
gnomAD v4.1: 560 of 1,613,942 alleles (0.035%); highest among the groups gnomAD compares: South Asian, 0.57%; 8 homozygotes.

Submissions (3):

Labcorp Genetics (formerly Invitae), Labcorp
Classification: Benign. Last evaluated: 2025-12-18. Review status: criteria provided, single submitter. Criteria: Invitae Variant Classification Sherloc (09022015). Collection method: clinical testing. Allele origin: germline.

Illumina Laboratory Services, Illumina
Classification: Benign for Multiple epiphyseal dysplasia type 1. Last evaluated: 2018-01-13. Review status: criteria provided, single submitter. Criteria: ICSL Variant Classification Criteria 13 December 2019. Collection method: clinical testing. Allele origin: germline.
Comment: This variant was observed in the ICSL laboratory as part of a predisposition screen in an ostensibly healthy population. It had not been previously curated by ICSL or reported in the Human Gene Mutation Database (HGMD: prior to June 1st, 2018), and was therefore a candidate for classification through an automated scoring system. Utilizing variant allele frequency, disease prevalence and penetrance estimates, and inheritance mode, an automated score was calculated to assess if this variant is too frequent to cause the disease. Based on the score and internal cut-off values, a variant classified as benign is not then subjected to further curation. The score for this variant resulted in a classification of benign for this disease.

Illumina Laboratory Services, Illumina
Classification: Benign for Pseudoachondroplastic spondyloepiphyseal dysplasia syndrome. Last evaluated: 2018-01-13. Review status: criteria provided, single submitter. Criteria: ICSL Variant Classification Criteria 13 December 2019. Collection method: clinical testing. Allele origin: germline.
Comment: the same text as in the submission from Illumina Laboratory Services, Illumina above.

NM_000095.3(COMP):c.195G>A (p.Thr65=)

Gene: COMP (cartilage oligomeric matrix protein; minus strand). Cytogenetic location: 19p13.11.
Variant type: single nucleotide variant.
Coding change: c.195G>A on transcript NM_000095.3 (MANE Select); coding-DNA position 195, G replaced by A.
Protein change: p.Thr65=; no amino-acid change (threonine 65 retained).
Molecular consequence: synonymous variant.
Genome position (GRCh38, 1-based): chr19:18,790,584, C>T on the plus strand (G>A on the coding strand, the complement: COMP is on the minus strand). VCF-style: chr19-18790584-C-T. GRCh37 (hg19) VCF-style: chr19-18901393-C-T.
Identifiers: ClinVar variation 328628 (VCV000328628.13), dbSNP rs529891904, ClinGen allele CA9316806.
Genomic context (GRCh38, chr19:18,790,584, plus strand): 5'-CCGTCTCTTCTCTCTCCCGACCGCCCCGCCGCGCTCACCGCACGCGTCACACTCCATCAC[C>T]GTGTTTTTCAGGAACGTGATCTCCCTGACCTGCAGGGGTGGGATGGAATCAGCGGGGTCC-3'
Protein context (NP_000086.2, residues 55-75): QVREITFLKN[Thr65=]VMECDACGMQ